The following is an entry in ClinVar:

NM_007357.3(COG2):c.567C>T (p.Gly189=)

Gene: COG2 (component of oligomeric golgi complex 2; plus strand). Cytogenetic location: 1q42.2.
Variant type: single nucleotide variant.
Coding change: c.567C>T on transcript NM_007357.3 (MANE Select); coding-DNA position 567, C replaced by T.
Protein change: p.Gly189=; no amino-acid change (glycine 189 retained).
Molecular consequence: synonymous variant.
Genome position (GRCh38, 1-based): chr1:230,668,757, C>T. VCF-style: chr1-230668757-C-T. GRCh37 (hg19) VCF-style: chr1-230804503-C-T.
Other names: c.567C>T, p.Gly189= (NM_001145036.2).
Identifiers: ClinVar variation 779702 (VCV000779702.12), dbSNP rs77326385, ClinGen allele CA1447454.

ClinVar aggregate classification (germline): Benign. Review status: criteria provided, multiple submitters, no conflicts (2 of 4 stars). 3 submissions from 3 submitters: Benign (3). Last evaluated 2026-01-19.

Conditions:
COG2-related disorder. Also called: COG2-related condition.
Congenital disorder of glycosylation, type IIq. Also called: CDG IIq. Identifiers: Orphanet 435934, MedGen C4479353, MONDO:0054559, OMIM 617395.

Allele frequency attached by ClinVar (database versions not stated): gnomAD exomes 0.00075 and 0.00184; ExAC 0.00249; gnomAD 0.00797 and 0.00855; ESP Exome Variant Server 0.00815; TOPMed 0.00908; 1000 Genomes Project 30x 0.01109; 1000 Genomes Project 0.01138.
gnomAD v4.1: 2,373 of 1,610,442 alleles (0.15%); highest among the groups gnomAD compares: African/African-American, 2.8%; 35 homozygotes.

Submissions (18):

Labcorp Genetics (formerly Invitae), Labcorp
Classification: Benign for Congenital disorder of glycosylation, type IIq. Last evaluated: 2026-01-19. Review status: criteria provided, single submitter. Criteria: Invitae Variant Classification Sherloc (09022015). Collection method: clinical testing. Allele origin: germline.

PreventionGenetics, part of Exact Sciences
Classification: Benign for COG2-related condition. Last evaluated: 2025-01-28. Review status: criteria provided, single submitter. Criteria: ACMG Guidelines, 2015. Collection method: clinical testing. Allele origin: germline.
Comment: This variant is classified as benign based on ACMG/AMP sequence variant interpretation guidelines (Richards et al. 2015 PMID: 25741868, with internal and published modifications).

Breakthrough Genomics
Classification: Benign. Review status: criteria provided, single submitter. Criteria: ACMG Guidelines, 2015. Collection method: not provided. Allele origin: germline. Inheritance: Autosomal recessive inheritance. Affected: yes.

Dr. Peter K. Rogan Lab, Western University
No classification provided (evidence only). Condition: Clear cell carcinoma of kidney. Review status: no classification provided. Collection method: in vitro. Allele origin: not applicable. Functional consequence: retained intron. Not counted in ClinVar's aggregate classification.

Dr. Peter K. Rogan Lab, Western University
No classification provided (evidence only). Condition: Lung cancer. Review status: no classification provided. Collection method: in vitro. Allele origin: not applicable. Functional consequence: retained intron. Not counted in ClinVar's aggregate classification.

Dr. Peter K. Rogan Lab, Western University
No classification provided (evidence only). Condition: Acute myeloid leukemia. Review status: no classification provided. Collection method: in vitro. Allele origin: not applicable. Functional consequence: retained intron. Not counted in ClinVar's aggregate classification.

Dr. Peter K. Rogan Lab, Western University
No classification provided (evidence only). Condition: Acute myeloid leukemia. Review status: no classification provided. Collection method: in vitro. Allele origin: not applicable. Functional consequence: retained intron. Not counted in ClinVar's aggregate classification.

Dr. Peter K. Rogan Lab, Western University
No classification provided (evidence only). Condition: Acute myeloid leukemia. Review status: no classification provided. Collection method: in vitro. Allele origin: not applicable. Functional consequence: retained intron. Not counted in ClinVar's aggregate classification.

Dr. Peter K. Rogan Lab, Western University
No classification provided (evidence only). Condition: Colon adenocarcinoma. Review status: no classification provided. Collection method: in vitro. Allele origin: not applicable. Functional consequence: retained intron. Not counted in ClinVar's aggregate classification.

Dr. Peter K. Rogan Lab, Western University
No classification provided (evidence only). Condition: Thyroid cancer, nonmedullary, 1. Review status: no classification provided. Collection method: in vitro. Allele origin: not applicable. Functional consequence: retained intron. Not counted in ClinVar's aggregate classification.

Dr. Peter K. Rogan Lab, Western University
No classification provided (evidence only). Condition: Uterine corpus endometrial carcinoma. Review status: no classification provided. Collection method: in vitro. Allele origin: not applicable. Functional consequence: retained intron. Not counted in ClinVar's aggregate classification.

Dr. Peter K. Rogan Lab, Western University
No classification provided (evidence only). Condition: Cervical cancer. Review status: no classification provided. Collection method: in vitro. Allele origin: not applicable. Functional consequence: retained intron. Not counted in ClinVar's aggregate classification.

Dr. Peter K. Rogan Lab, Western University
No classification provided (evidence only). Condition: Sarcoma. Review status: no classification provided. Collection method: in vitro. Allele origin: not applicable. Functional consequence: retained intron. Not counted in ClinVar's aggregate classification.

Dr. Peter K. Rogan Lab, Western University
No classification provided (evidence only). Condition: Hepatocellular carcinoma. Review status: no classification provided. Collection method: in vitro. Allele origin: not applicable. Functional consequence: retained intron. Not counted in ClinVar's aggregate classification.

Dr. Peter K. Rogan Lab, Western University
No classification provided (evidence only). Condition: Thymoma. Review status: no classification provided. Collection method: in vitro. Allele origin: not applicable. Functional consequence: retained intron. Not counted in ClinVar's aggregate classification.

Dr. Peter K. Rogan Lab, Western University
No classification provided (evidence only). Condition: Ovarian serous cystadenocarcinoma. Review status: no classification provided. Collection method: in vitro. Allele origin: not applicable. Functional consequence: retained intron. Not counted in ClinVar's aggregate classification.

Dr. Peter K. Rogan Lab, Western University
No classification provided (evidence only). Condition: Gastric cancer. Review status: no classification provided. Collection method: in vitro. Allele origin: not applicable. Functional consequence: retained intron. Not counted in ClinVar's aggregate classification.

Dr. Peter K. Rogan Lab, Western University
No classification provided (evidence only). Condition: Gastric cancer. Review status: no classification provided. Collection method: in vitro. Allele origin: not applicable. Functional consequence: retained intron. Not counted in ClinVar's aggregate classification.